The following is an entry in ClinVar:

ClinVar aggregate classification (germline): Pathogenic (1 of 4 stars; one submission).

Submission:

Labcorp Genetics (formerly Invitae), Labcorp
Classification: Pathogenic. Last evaluated: 2022-08-23. Review status: criteria provided, single submitter. Criteria: Invitae Variant Classification Sherloc (09022015). Collection method: clinical testing. Allele origin: germline.
Comment: For these reasons, this variant has been classified as Pathogenic. Algorithms developed to predict the effect of sequence changes on RNA splicing suggest that this variant may create or strengthen a splice site. This variant has not been reported in the literature in individuals affected with CDHR1-related conditions. This variant is not present in population databases (gnomAD no frequency). This sequence change creates a premature translational stop signal (p.Val469Serfs*39) in the CDHR1 gene. It is expected to result in an absent or disrupted protein product. Loss-of-function variants in CDHR1 are known to be pathogenic (PMID: 23044944, 23591405, 26103963, 26261414).

Literature cited by the submitters: PubMed 23044944; PubMed 23591405; PubMed 26103963; PubMed 26261414.

NM_033100.4(CDHR1):c.1405del (p.Val469fs)

Gene: CDHR1 (cadherin related family member 1; plus strand). Cytogenetic location: 10q23.1.
Variant type: Deletion.
Coding change: c.1405del on transcript NM_033100.4 (MANE Select); coding-DNA position 1405, one base deleted (G; older notation c.1405delG).
Protein change: p.Val469fs; shifts the reading frame from valine 469.
Molecular consequence: frameshift variant.
Genome position (GRCh38, 1-based): chr10:84,211,085, G deleted. VCF-style (leftmost placement, unchanged base first): chr10-84211084-TG-T. GRCh37 (hg19) VCF-style: chr10-85970840-TG-T.
Other names: c.1405del, p.Val469fs (NM_001171971.3); short protein forms V469fs.
Identifiers: ClinVar variation 2092326 (VCV002092326.4), dbSNP rs2492531858, ClinGen allele CA2580082337.
Genomic context (GRCh38, chr10:84,211,084, plus strand): 5'-CCCAGAGAAGTTCAGTTCCACAGCGGATGTTGTGATCCAGCTCCTGGACACCAATGACAA[TG>T]TCCCCAAGTTCGACTCCCTCTACTACGTTGCCAGGATTCCTGAGAACGCCCCAGGGGGCT-3'